The following is an entry in ClinVar:

NC_000009.11:g.(?_108377549)_(108382383_?)del

Gene: FKTN (fukutin; plus strand). Cytogenetic location: 9q31.2.
Variant type: Deletion.
Identifiers: ClinVar variation 2423630 (VCV002423630.3).

ClinVar aggregate classification (germline): Pathogenic (1 of 4 stars; one submission).

Conditions:
Walker-Warburg congenital muscular dystrophy. Also called: Muscular dystrophy-dystroglycanopathy, type A; Walker-Warburg syndrome. Identifiers: Orphanet 899, MedGen C0265221, MONDO:0000171.

Submission:

Labcorp Genetics (formerly Invitae), Labcorp
Classification: Pathogenic for Walker-Warburg congenital muscular dystrophy. Last evaluated: 2022-05-27. Review status: criteria provided, single submitter. Criteria: Invitae Variant Classification Sherloc (09022015). Collection method: clinical testing. Allele origin: germline.
Comment: This variant is a gross deletion of the genomic region encompassing exon(s) 8-10 of the FKTN gene. While this deletion is not anticipated to lead to nonsense mediated decay, it is expected to disrupt the C-terminus of the protein. This variant has not been reported in the literature in individuals affected with FKTN-related conditions. This variant disrupts a region of the FKTN protein in which other variant(s) (p.Tyr371Cys) have been determined to be pathogenic (PMID: 11165248, 17034757, 19179078, 22275357; Invitae). This suggests that this is a clinically significant region of the protein, and that variants that disrupt it are likely to be disease-causing. For these reasons, this variant has been classified as Pathogenic.

Literature cited by the submitters: PubMed 11165248; PubMed 17034757; PubMed 19179078; PubMed 22275357.